The following is an entry in ClinVar:

ClinVar aggregate classification (germline): Pathogenic (1 of 4 stars; one submission).

Conditions:
Hereditary breast ovarian cancer syndrome. Also called: Hereditary breast and ovarian cancer syndrome (HBOC); Breast and ovarian cancer; Hereditary breast and/or ovarian cancer syndrome; BRCA1- and BRCA2-Associated Hereditary Breast and Ovarian Cancer; Hereditary breast and ovarian cancer syndrome; Hereditary breast and ovarian cancer. Identifiers: Orphanet 145, MedGen C0677776, MeSH D061325, MONDO:0003582. Disease mechanism: loss of function.

Submission:

Labcorp Genetics (formerly Invitae), Labcorp
Classification: Pathogenic for Hereditary breast ovarian cancer syndrome. Last evaluated: 2022-08-16. Review status: criteria provided, single submitter. Criteria: Invitae Variant Classification Sherloc (09022015). Collection method: clinical testing. Allele origin: germline.
Comment: This variant is a gross deletion of the genomic region encompassing exon(s) 4 of the BRCA1 gene. This variant would be expected to be in-frame, preserving the integrity of the reading frame. A similar copy number variant has been observed in individual(s) with a personal and/or family history of breast and/or ovarian cancer (PMID: 15863663, 16772120, 18431737, 21281505). This variant is also known as a deletion of exon 5. This variant disrupts a region of the BRCA1 protein in which other variant(s) (p.Cys61) have been determined to be pathogenic (PMID: 20569256, 21324516, 22172724, 23867111). This suggests that this is a clinically significant region of the protein, and that variants that disrupt it are likely to be disease-causing. For these reasons, this variant has been classified as Pathogenic.

Literature cited by the submitters: PubMed 15863663; PubMed 16772120; PubMed 18431737; PubMed 21281505; PubMed 20569256; PubMed 21324516; PubMed 22172724; PubMed 23867111.

NC_000017.10:g.(?_41258453)_(41258570_?)del

Gene: BRCA1 (BRCA1 DNA repair associated; minus strand). Cytogenetic location: 17q21.31.
Variant type: Deletion.
Identifiers: ClinVar variation 1066372 (VCV001066372.2).